The following is an entry in ClinVar:

NM_022168.4(IFIH1):c.1915G>A (p.Ala639Thr)

Gene: IFIH1 (interferon induced with helicase C domain 1; minus strand). Cytogenetic location: 2q24.2.
Variant type: single nucleotide variant.
Coding change: c.1915G>A on transcript NM_022168.4 (MANE Select); coding-DNA position 1915, G replaced by A.
Protein change: p.Ala639Thr; replaces alanine 639 with threonine.
Molecular consequence: missense variant.
Genome position (GRCh38, 1-based): chr2:162,277,544, C>T on the plus strand (G>A on the coding strand, the complement: IFIH1 is on the minus strand). VCF-style: chr2-162277544-C-T. GRCh37 (hg19) VCF-style: chr2-163134054-C-T.
Other names: p.Ala639Thr; c.1915G>A (NM_022168.2); short protein forms A639T.
Identifiers: ClinVar variation 1570850 (VCV001570850.13), dbSNP rs774347658, ClinGen allele CA1934354.

ClinVar aggregate classification (germline): Conflicting classifications of pathogenicity. Review status: criteria provided, conflicting classifications (1 of 4 stars). 4 submissions from 4 submitters: Uncertain significance (1); Likely benign (3). Last evaluated 2025-10-21.

Conditions:
Inborn genetic diseases. Identifiers: MedGen C0950123, MeSH D030342.
Aicardi-Goutieres syndrome 7 (AGS7). Identifiers: Orphanet 51, MedGen C3888244, MONDO:0014367, OMIM 615846.
Singleton-Merten syndrome 1 (SGMRT1). Also called: Widened medullary cavities of bone, aortic calcification, abnormal dentition, and muscular weakness; Syndrome of widened medullary cavities of the metacarpals and phalanges, aortic calcification and abnormal dentition. Identifiers: Orphanet 85191, MedGen C4225427, MONDO:0024535, OMIM 182250.

Allele frequency attached by ClinVar (database versions not stated): ExAC 0.00003; TOPMed 0.00005; gnomAD exomes 0.00007 and 0.00004; gnomAD 0.00002 and 0.00003.

Submissions (4):

Labcorp Genetics (formerly Invitae), Labcorp
Classification: Likely benign for Aicardi-Goutieres syndrome 7; Singleton-Merten syndrome 1. Last evaluated: 2025-10-21. Review status: criteria provided, single submitter. Criteria: Invitae Variant Classification Sherloc (09022015). Collection method: clinical testing. Allele origin: germline.

Women's Health and Genetics/Laboratory Corporation of America, LabCorp
Classification: Likely benign. Last evaluated: 2025-10-08. Review status: criteria provided, single submitter. Criteria: LabCorp Variant Classification Summary - May 2015. Collection method: clinical testing. Allele origin: germline.
Comment: Variant summary: IFIH1 c.1915G>A (p.Ala639Thr) results in a non-conservative amino acid change in the encoded protein sequence. Algorithms developed to predict the effect of missense changes on protein structure and function are either unavailable or do not agree on the potential impact of this missense change. The variant allele was found at a frequency of 4.4e-05 in 250520 control chromosomes. The observed variant frequency exceeds the estimated maximal expected allele frequency for disease-causing variants in IFIH1. To our knowledge, no occurrence of c.1915G>A in individuals affected with IFIH1-related conditions and no experimental evidence demonstrating its impact on protein function have been reported. ClinVar contains an entry for this variant (Variation ID: 1570850). Based on the evidence outlined above, the variant was classified as likely benign.

Mayo Clinic Laboratories, Mayo Clinic
Classification: Uncertain significance. Last evaluated: 2024-08-05. Review status: criteria provided, single submitter. Criteria: ACMG Guidelines, 2015. Collection method: clinical testing. Allele origin: germline. Observed: 1 variant allele.
Comment: BP4, PM2

Ambry Genetics
Classification: Likely benign for Inborn genetic diseases. Last evaluated: 2023-01-23. Review status: criteria provided, single submitter. Criteria: Ambry Variant Classification Scheme 2023. Collection method: clinical testing. Allele origin: germline.